The following is an entry in ClinVar:

ClinVar aggregate classification (germline): Uncertain significance (1 of 4 stars; one submission).

Conditions:
Familial infantile myasthenia (CMS6). Also called: MYASTHENIC SYNDROME, PRESYNAPTIC, CONGENITAL, ASSOCIATED WITH EPISODIC APNEA; MYASTHENIC SYNDROME, CONGENITAL, 6, PRESYNAPTIC; Congenital myasthenic syndrome type 6. Identifiers: Orphanet 590, MedGen C0393929, MONDO:0009689, OMIM 254210.

Submission:

Labcorp Genetics (formerly Invitae), Labcorp
Classification: Uncertain significance for Familial infantile myasthenia. Last evaluated: 2025-10-02. Review status: criteria provided, single submitter. Criteria: Invitae Variant Classification Sherloc (09022015). Collection method: clinical testing. Allele origin: germline.
Comment: This sequence change replaces leucine, which is neutral and non-polar, with phenylalanine, which is neutral and non-polar, at codon 183 of the CHAT protein (p.Leu183Phe). This variant is not present in population databases (gnomAD no frequency). This variant has not been reported in the literature in individuals affected with CHAT-related conditions. ClinVar contains an entry for this variant (Variation ID: 1383784). Invitae Evidence Modeling of protein sequence and biophysical properties (such as structural, functional, and spatial information, amino acid conservation, physicochemical variation, residue mobility, and thermodynamic stability) indicates that this missense variant is expected to disrupt CHAT protein function with a positive predictive value of 95%. In summary, the available evidence is currently insufficient to determine the role of this variant in disease. Therefore, it has been classified as a Variant of Uncertain Significance.

NM_020549.5(CHAT):c.547C>T (p.Leu183Phe)

Gene: CHAT (choline O-acetyltransferase; plus strand). Cytogenetic location: 10q11.23.
Variant type: single nucleotide variant.
Coding change: c.547C>T on transcript NM_020549.5 (MANE Select); coding-DNA position 547, C replaced by T.
Protein change: p.Leu183Phe; replaces leucine 183 with phenylalanine.
Molecular consequence: missense variant.
Genome position (GRCh38, 1-based): chr10:49,619,884, C>T. VCF-style: chr10-49619884-C-T. GRCh37 (hg19) VCF-style: chr10-50827930-C-T.
Other names: c.193C>T, p.Leu65Phe (NM_020984.4, NM_020985.4, NM_020986.4 and 2 more transcripts); c.301C>T, p.Leu101Phe (NM_001142933.2); short protein forms L65F, L183F, L101F.
Identifiers: ClinVar variation 1383784 (VCV001383784.6), dbSNP rs746030420, ClinGen allele CA376727035.